The following is an entry in ClinVar:

ClinVar aggregate classification (germline): Benign. Review status: criteria provided, multiple submitters, no conflicts (2 of 4 stars). 3 submissions from 3 submitters: Benign (2). 1 of the submissions does not count toward it. Last evaluated 2019-12-31.

Conditions:
DNHD1-related disorder. Also called: DNHD1-related condition.

Allele frequency attached by ClinVar (database versions not stated): ESP Exome Variant Server 0.00008; gnomAD 0.00252 and 0.00272; ExAC 0.00467; TOPMed 0.00518; gnomAD exomes 0.00621; 1000 Genomes Project 0.00719; 1000 Genomes Project 30x 0.00781.
gnomAD v4.1: 2,768 of 1,614,188 alleles (0.17%); highest among the groups gnomAD compares: Admixed American, 3.5%; 56 homozygotes.

Submissions (3):

Labcorp Genetics (formerly Invitae), Labcorp
Classification: Benign. Last evaluated: 2019-12-31. Review status: criteria provided, single submitter. Criteria: Invitae Variant Classification Sherloc (09022015). Collection method: clinical testing. Allele origin: germline.

Breakthrough Genomics
Classification: Benign. Review status: criteria provided, single submitter. Criteria: ACMG Guidelines, 2015. Collection method: not provided. Allele origin: germline. Inheritance: Autosomal recessive inheritance. Affected: yes.

PreventionGenetics, part of Exact Sciences
Classification: Benign for DNHD1-related condition. Last evaluated: 2020-01-20. Review status: no assertion criteria provided. Collection method: clinical testing. Allele origin: germline. Not counted in ClinVar's aggregate classification.
Comment: This variant is classified as benign based on ACMG/AMP sequence variant interpretation guidelines (Richards et al. 2015 PMID: 25741868, with internal and published modifications).

NM_144666.3(DNHD1):c.1134G>C (p.Lys378Asn)

Gene: DNHD1 (dynein heavy chain domain 1; plus strand). Cytogenetic location: 11p15.4.
Variant type: single nucleotide variant.
Coding change: c.1134G>C on transcript NM_144666.3 (MANE Select); coding-DNA position 1134, G replaced by C.
Protein change: p.Lys378Asn; replaces lysine 378 with asparagine.
Molecular consequence: missense variant.
Genome position (GRCh38, 1-based): chr11:6,509,171, G>C. VCF-style: chr11-6509171-G-C. GRCh37 (hg19) VCF-style: chr11-6530401-G-C.
Other names: c.1134G>C, p.Lys378Asn (NM_173589.4); short protein forms K378N.
Identifiers: ClinVar variation 789038 (VCV000789038.7), dbSNP rs150652653, ClinGen allele CA5855506.